The following is an entry in ClinVar:

ClinVar aggregate classification (germline): Uncertain significance (1 of 4 stars; one submission).

gnomAD v4.1: 4 of 1,602,542 alleles (0.00025%); highest among the groups gnomAD compares: East Asian, 0.0022%; no homozygotes.

Submission:

Ambry Genetics
Classification: Uncertain significance. Last evaluated: 2022-02-06. Review status: criteria provided, single submitter. Criteria: Ambry Variant Classification Scheme 2023. Collection method: clinical testing. Allele origin: germline.
Comment: The p.P3025T variant (also known as c.9073C>A), located in coding exon 65 of the PRKDC gene, results from a C to A substitution at nucleotide position 9073. The proline at codon 3025 is replaced by threonine, an amino acid with highly similar properties. This amino acid position is conserved. In addition, this alteration is predicted to be tolerated by in silico analysis. Since supporting evidence is limited at this time, the clinical significance of this alteration remains unclear.

NM_006904.7(PRKDC):c.9073C>A (p.Pro3025Thr)

Gene: PRKDC (protein kinase, DNA-activated, catalytic subunit; minus strand). Cytogenetic location: 8q11.21.
Variant type: single nucleotide variant.
Coding change: c.9073C>A on transcript NM_006904.7 (MANE Select); coding-DNA position 9073, C replaced by A.
Protein change: p.Pro3025Thr; replaces proline 3025 with threonine.
Molecular consequence: missense variant.
Genome position (GRCh38, 1-based): chr8:47,821,642, G>T on the plus strand (C>A on the coding strand, the complement: PRKDC is on the minus strand). VCF-style: chr8-47821642-G-T. GRCh37 (hg19) VCF-style: chr8-48734203-G-T.
Other names: c.9073C>A, p.Pro3025Thr (NM_001081640.2); short protein forms P3025T.
Identifiers: ClinVar variation 1765683 (VCV001765683.2), dbSNP rs577483229, ClinGen allele CA371140325.